The following is an entry in ClinVar:

ClinVar aggregate classification (germline): Uncertain significance (1 of 4 stars; one submission).

Conditions:
Multiple endocrine neoplasia, type 2 (MEN2). Identifiers: MedGen C4048306, MONDO:0019003, Orphanet 653. Disease mechanism: gain of function.

gnomAD v4.1: 1 of 1,566,022 alleles (0.000064%); highest among the groups gnomAD compares: Non-Finnish European, 0.000086%; no homozygotes.

Submission:

Labcorp Genetics (formerly Invitae), Labcorp
Classification: Uncertain significance for Multiple endocrine neoplasia, type 2. Last evaluated: 2023-04-11. Review status: criteria provided, single submitter. Criteria: Invitae Variant Classification Sherloc (09022015). Collection method: clinical testing. Allele origin: germline.
Comment: This variant has not been reported in the literature in individuals affected with RET-related conditions. This sequence change replaces leucine, which is neutral and non-polar, with valine, which is neutral and non-polar, at codon 212 of the RET protein (p.Leu212Val). This variant is not present in population databases (gnomAD no frequency). An algorithm developed to predict the effect of missense changes on protein structure and function (PolyPhen-2) suggests that this variant is likely to be tolerated. In summary, the available evidence is currently insufficient to determine the role of this variant in disease. Therefore, it has been classified as a Variant of Uncertain Significance.

NM_020975.6(RET):c.634C>G (p.Leu212Val)

Gene: RET (ret proto-oncogene; plus strand). Cytogenetic location: 10q11.21.
Variant type: single nucleotide variant.
Coding change: c.634C>G on transcript NM_020975.6 (MANE Select); coding-DNA position 634, C replaced by G.
Protein change: p.Leu212Val; replaces leucine 212 with valine.
Molecular consequence: missense variant. On other transcripts: 5 prime UTR variant (1), intron variant (22).
Genome position (GRCh38, 1-based): chr10:43,104,960, C>G. VCF-style: chr10-43104960-C-G. GRCh37 (hg19) VCF-style: chr10-43600408-C-G.
Other names: c.634C>G, p.Leu212Val (NM_000323.2, NM_001406743.1, NM_001406744.1 and 8 more transcripts); c.-129C>G (NM_001355216.2); c.505C>G, p.Leu169Val (NM_001406761.1, NM_001406762.1, NM_001406764.1 and 2 more transcripts); c.346C>G, p.Leu116Val (NM_001406766.1, NM_001406767.1, NM_001406770.1); c.625+2331C>G (NM_001406773.1, NM_001406771.1, NM_001406782.1 and 5 more transcripts); c.496+2331C>G (NM_001406786.1, NM_001406783.1); c.338-4071C>G (NM_001406778.1, NM_001406775.1, NM_001406776.1 and 1 more transcripts); c.337+4238C>G (NM_001406790.1, NM_001406788.1, NM_001406789.1 and 1 more transcripts); and 2 more; short protein forms L169V, L116V, L212V.
Identifiers: ClinVar variation 2718426 (VCV002718426.3), dbSNP rs1229955390, ClinGen allele CA376544279.